The following is an entry in ClinVar:

ClinVar aggregate classification (germline): Likely benign. Review status: criteria provided, multiple submitters, no conflicts (2 of 4 stars). 2 submissions from 2 submitters: Likely benign (2). Last evaluated 2023-02-24.

Conditions:
Spastic paraplegia. Identifiers: MedGen C0037772, HP:0001258.

Submissions (2):

Labcorp Genetics (formerly Invitae), Labcorp
Classification: Likely benign for Spastic paraplegia. Last evaluated: 2023-02-24. Review status: criteria provided, single submitter. Criteria: Invitae Variant Classification Sherloc (09022015). Collection method: clinical testing. Allele origin: germline.

CeGaT Center for Human Genetics Tuebingen
Classification: Likely benign. Last evaluated: 2022-11-01. Review status: criteria provided, single submitter. Criteria: CeGaT Center For Human Genetics Tuebingen Variant Classification Criteria Version 2. Collection method: clinical testing. Allele origin: germline. Affected: yes. Observed: 1 variant allele.
Comment: ZFYVE26: PM2:Supporting, BP4, BP7

NM_015346.4(ZFYVE26):c.6357C>T (p.Pro2119=)

Gene: ZFYVE26 (zinc finger FYVE-type containing 26; minus strand). Cytogenetic location: 14q24.1.
Variant type: single nucleotide variant.
Coding change: c.6357C>T on transcript NM_015346.4 (MANE Select); coding-DNA position 6357, C replaced by T.
Protein change: p.Pro2119=; no amino-acid change (proline 2119 retained).
Molecular consequence: synonymous variant.
Genome position (GRCh38, 1-based): chr14:67,762,215, G>A on the plus strand (C>T on the coding strand, the complement: ZFYVE26 is on the minus strand). VCF-style: chr14-67762215-G-A. GRCh37 (hg19) VCF-style: chr14-68228932-G-A.
Identifiers: ClinVar variation 2644336 (VCV002644336.27), dbSNP rs2503966643, ClinGen allele CA486767268.
Genomic context (GRCh38, chr14:67,762,215, plus strand): 5'-CCTGGGTCTCCCTCCCTGAGCCAGGCACTCTTCCTGCCTTGCTCTTACCAAGGATACAAA[G>A]GGCCTCACTGTGGACTCTAGGTACTCAACCACATCCTGCACCAGCCTTGAGCCATGATTC-3'
Protein context (NP_056161.2, residues 2109-2129): VVEYLESTVR[Pro2119=]FVSLQDDDYF